The following is an entry in ClinVar:

ClinVar aggregate classification (germline): Conflicting classifications of pathogenicity. Review status: criteria provided, conflicting classifications (1 of 4 stars). 4 submissions from 4 submitters: Uncertain significance (3); Benign (1). Last evaluated 2025-12-17.

Conditions:
Inborn genetic diseases. Identifiers: MedGen C0950123, MeSH D030342.
Treacher Collins syndrome 1 (TCS1). Also called: TCOF1-Related Treacher Collins Syndrome. Identifiers: Orphanet 861, MedGen CN315775, MONDO:0007944, OMIM 154500.
Cleft lip/palate. Also called: Cleft lip and palate. Identifiers: Orphanet 199306, MedGen C0158646, MONDO:0016044.

Allele frequency attached by ClinVar (database versions not stated): ExAC 0.00007; ESP Exome Variant Server 0.00008; gnomAD exomes 0.00008 and 0.00023; gnomAD 0.00010 and 0.00011; TOPMed 0.00010.
gnomAD v4.1: 351 of 1,613,784 alleles (0.022%); highest among the groups gnomAD compares: Non-Finnish European, 0.028%; no homozygotes.

Submissions (4):

Labcorp Genetics (formerly Invitae), Labcorp
Classification: Uncertain significance for Treacher Collins syndrome 1. Last evaluated: 2025-12-17. Review status: criteria provided, single submitter. Criteria: Invitae Variant Classification Sherloc (09022015). Collection method: clinical testing. Allele origin: germline.
Comment: This sequence change replaces serine, which is neutral and polar, with phenylalanine, which is neutral and non-polar, at codon 1201 of the TCOF1 protein (p.Ser1201Phe). This variant is present in population databases (rs112227999, gnomAD 0.02%). This variant has not been reported in the literature in individuals affected with TCOF1-related conditions. ClinVar contains an entry for this variant (Variation ID: 1306603). An algorithm developed to predict the effect of missense changes on protein structure and function (PolyPhen-2) suggests that this variant is likely to be disruptive. In summary, the available evidence is currently insufficient to determine the role of this variant in disease. Therefore, it has been classified as a Variant of Uncertain Significance.

GeneDx
Classification: Uncertain significance. Last evaluated: 2025-08-09. Review status: criteria provided, single submitter. Criteria: GeneDx Variant Classification Process June 2021. Collection method: clinical testing. Allele origin: germline. Affected: yes.
Comment: In silico analysis supports that this missense variant has a deleterious effect on protein structure/function; Has not been previously published as pathogenic or benign to our knowledge

Ambry Genetics
Classification: Uncertain significance for Inborn genetic diseases. Last evaluated: 2025-08-07. Review status: criteria provided, single submitter. Criteria: Ambry Variant Classification Scheme 2023. Collection method: clinical testing. Allele origin: germline.

Cambridge Genomics Laboratory, East Genomic Laboratory Hub, NHS Genomic Medicine Service
Classification: Benign for Cleft lip/palate. Last evaluated: 2019-05-02. Review status: criteria provided, single submitter. Criteria: ACGS Best Practice Guidelines for Variant Classification in Rare Disease 2020. Collection method: clinical testing. Allele origin: germline. Affected: yes. Observed: 1 variant allele.

NM_001371623.1(TCOF1):c.3605C>T (p.Ser1202Phe)

Gene: TCOF1 (treacle ribosome biogenesis factor 1; plus strand). Cytogenetic location: 5q32.
Variant type: single nucleotide variant.
Coding change: c.3605C>T on transcript NM_001371623.1 (MANE Select); coding-DNA position 3605, C replaced by T.
Protein change: p.Ser1202Phe; replaces serine 1202 with phenylalanine.
Molecular consequence: missense variant.
Genome position (GRCh38, 1-based): chr5:150,393,373, C>T. VCF-style: chr5-150393373-C-T. GRCh37 (hg19) VCF-style: chr5-149772936-C-T.
Other names: c.3371C>T, p.Ser1124Phe (NM_000356.4); c.3602C>T, p.Ser1201Phe (NM_001135243.2); c.3491C>T, p.Ser1164Phe (NM_001135244.2); c.3374C>T, p.Ser1125Phe (NM_001135245.2); c.3488C>T, p.Ser1163Phe (NM_001195141.2); short protein forms S1124F, S1125F, S1163F, S1164F, S1201F, S1202F.
Identifiers: ClinVar variation 1306603 (VCV001306603.15), dbSNP rs112227999, ClinGen allele CA3511562.
Genomic context (GRCh38, chr5:150,393,373, plus strand): 5'-GCTGGGTTATGGCAGTGGGGTGGGGTGGTGGCAGCCTCTTTCACAATGGGCTTCTTCAGT[C>T]TCTCCTCTCAGGTTATATGACCCCTGGACTAACCCCAGCCAATTCCCAGGCCTCAAAAGC-3'
Protein context (NP_001358552.1, residues 1192-1212): SEDDVVAPSQ[Ser1202Phe]LLSGYMTPGL